The following is an entry in ClinVar:

ClinVar aggregate classification (germline): Uncertain significance (1 of 4 stars; one submission).

Conditions:
Short-rib thoracic dysplasia 6 with or without polydactyly (SRTD6). Also called: POLYDACTYLY WITH NEONATAL CHONDRODYSTROPHY, TYPE II; SHORT-RIB THORACIC DYSPLASIA 6 WITH POLYDACTYLY; SHORT-RIB THORACIC DYSPLASIA 6 WITHOUT POLYDACTYLY; Majewski Syndrome; SHORT RIB-POLYDACTYLY SYNDROME, TYPE IIA. Identifiers: MedGen C0024507, MONDO:0009894, OMIM 263520.

Submission:

Labcorp Genetics (formerly Invitae), Labcorp
Classification: Uncertain significance for Short-rib thoracic dysplasia 6 with or without polydactyly. Last evaluated: 2024-11-06. Review status: criteria provided, single submitter. Criteria: Invitae Variant Classification Sherloc (09022015). Collection method: clinical testing. Allele origin: germline.
Comment: This sequence change falls in intron 25 of the NEK1 gene. It does not directly change the encoded amino acid sequence of the NEK1 protein. It affects a nucleotide within the consensus splice site. This variant is not present in population databases (gnomAD no frequency). This variant has not been reported in the literature in individuals affected with NEK1-related conditions. Variants that disrupt the consensus splice site are a relatively common cause of aberrant splicing (PMID: 17576681, 9536098). Algorithms developed to predict the effect of sequence changes on RNA splicing suggest that this variant may disrupt the consensus splice site. In summary, the available evidence is currently insufficient to determine the role of this variant in disease. Therefore, it has been classified as a Variant of Uncertain Significance.

Literature cited by the submitters: PubMed 17576681; PubMed 9536098.

NM_001199397.3(NEK1):c.2587+5G>A

Gene: NEK1 (NIMA related kinase 1; minus strand). Cytogenetic location: 4q33.
Variant type: single nucleotide variant.
Coding change: c.2587+5G>A on transcript NM_001199397.3 (MANE Select); 5 bases into the intron after coding-DNA position 2587, G replaced by A.
Molecular consequence: intron variant.
Genome position (GRCh38, 1-based): chr4:169,463,238, C>T on the plus strand (G>A on the coding strand, the complement: NEK1 is on the minus strand). VCF-style: chr4-169463238-C-T. GRCh37 (hg19) VCF-style: chr4-170384389-C-T.
Other names: c.2281+5G>A (NM_001374421.1); c.2452+5G>A (NM_001374420.1); c.2296+5G>A (NM_001199399.3); c.2455+5G>A (NM_001199398.3); c.2503+5G>A (NM_001374419.1, NM_012224.4); c.2371+5G>A (NM_001199400.3); c.2587+5G>A (NM_001374418.1).
Identifiers: ClinVar variation 3680662 (VCV003680662.2).